The following is an entry in ClinVar:

NM_177398.4(LMX1A):c.915T>G (p.Ser305Arg)

Genes: LMX1A (LIM homeobox transcription factor 1 alpha; minus strand), LMX1A-AS2 (LMX1A antisense RNA 2; plus strand). Cytogenetic location: 1q23.3.
Variant type: single nucleotide variant.
Coding change: c.915T>G on transcript NM_177398.4 (MANE Select); coding-DNA position 915, T replaced by G.
Protein change: p.Ser305Arg; replaces serine 305 with arginine.
Molecular consequence: missense variant.
Genome position (GRCh38, 1-based): chr1:165,205,937, A>C on the plus strand (T>G on the coding strand, the complement: LMX1A is on the minus strand). VCF-style: chr1-165205937-A-C. GRCh37 (hg19) VCF-style: chr1-165175174-A-C.
Other names: c.915T>G, p.Ser305Arg (NM_001174069.2); short protein forms S305R.
Identifiers: ClinVar variation 3377593 (VCV003377593.1).

ClinVar aggregate classification (germline): Uncertain significance (1 of 4 stars; one submission).

Conditions:
Autosomal dominant nonsyndromic hearing loss 7. Also called: Deafness, autosomal dominant 7. Identifiers: Orphanet 90635, MedGen C1832379, MONDO:0011074, OMIM 601412.

Submission:

Neuberg Centre For Genomic Medicine, NCGM
Classification: Uncertain significance for Autosomal dominant nonsyndromic hearing loss 7. Last evaluated: 2023-06-22. Review status: criteria provided, single submitter. Criteria: ACMG Guidelines, 2015. Collection method: clinical testing. Allele origin: germline. Inheritance: Autosomal dominant inheritance. Affected: yes.
Comment: The observed missense variant c.915T>G(p.Ser305Arg) in LMX1A gene has not been reported previously as a pathogenic variant nor as a benign variant, to our knowledge. The p.Ser305Arg variant is absent in gnomAD Exomes. The amino acid Ser at position 305 is changed to a Arg changing protein sequence and it might alter its composition and physico-chemical properties. Computational evidence (Polyphen-probably damaging, SIFT-damaging and Mutation Taster-polymorphism) predicts conflicting evidence on protein structure and function for this variant. For these reasons, this variant has been classified as Uncertain Significance.